The following is an entry in ClinVar:

ClinVar aggregate classification (germline): Uncertain significance. Review status: criteria provided, multiple submitters, no conflicts (2 of 4 stars). 6 submissions from 6 submitters: Uncertain significance (6). Last evaluated 2026-09-01.

Conditions:
Generalized epilepsy-paroxysmal dyskinesia syndrome (PNKD3). Also called: Paroxysmal nonkinesigenic dyskinesia, 3, with or without generalized epilepsy; Generalized epilepsy and paroxysmal dyskinesia. Identifiers: Orphanet 79137, MedGen C5574945, MONDO:0012276, OMIM 609446.
KCNMA1-related disorder. Also called: KCNMA1-related disorders; KCNMA1-related condition.
Inborn genetic diseases. Identifiers: MedGen C0950123, MeSH D030342.

Allele frequency attached by ClinVar (database versions not stated): gnomAD 0.00003; gnomAD exomes 0.00006; ExAC 0.00025.
gnomAD v4.1: 86 of 1,521,090 alleles (0.0057%); highest among the groups gnomAD compares: Middle Eastern, 0.076%; no homozygotes.

Submissions (6):

CeGaT Center for Human Genetics Tuebingen
Classification: Uncertain significance. Last evaluated: 2026-09-01. Review status: criteria provided, single submitter. Criteria: CeGaT Center For Human Genetics Tuebingen Variant Classification Criteria Version 2. Collection method: clinical testing. Allele origin: germline. Affected: yes. Observed: 1 variant allele.

Labcorp Genetics (formerly Invitae), Labcorp
Classification: Uncertain significance for Generalized epilepsy-paroxysmal dyskinesia syndrome. Last evaluated: 2025-11-17. Review status: criteria provided, single submitter. Criteria: Invitae Variant Classification Sherloc (09022015). Collection method: clinical testing. Allele origin: germline.
Comment: This sequence change replaces serine, which is neutral and polar, with glycine, which is neutral and non-polar, at codon 11 of the KCNMA1 protein (p.Ser11Gly). The frequency data for this variant in the population databases is considered unreliable, as metrics indicate poor data quality at this position in the gnomAD database. This variant has not been reported in the literature in individuals affected with KCNMA1-related conditions. ClinVar contains an entry for this variant (Variation ID: 300974). An algorithm developed to predict the effect of missense changes on protein structure and function outputs the following: PolyPhen-2: "Not Available". The glycine amino acid residue is found in multiple mammalian species, which suggests that this missense change does not adversely affect protein function. In summary, the available evidence is currently insufficient to determine the role of this variant in disease. Therefore, it has been classified as a Variant of Uncertain Significance.

PreventionGenetics, part of Exact Sciences
Classification: Uncertain significance for KCNMA1-related condition. Last evaluated: 2023-02-09. Review status: criteria provided, single submitter. Criteria: ACMG Guidelines, 2015. Collection method: clinical testing. Allele origin: germline.
Comment: The KCNMA1 c.31A>G variant is predicted to result in the amino acid substitution p.Ser11Gly. To our knowledge, this variant has not been reported in the literature. This variant is reported in 0.019% of alleles in individuals of African descent in gnomAD. At this time, the clinical significance of this variant is uncertain due to the absence of conclusive functional and genetic evidence.

Ambry Genetics
Classification: Uncertain significance for Inborn genetic diseases. Last evaluated: 2021-07-16. Review status: criteria provided, single submitter. Criteria: Ambry Variant Classification Scheme 2023. Collection method: clinical testing. Allele origin: germline.

New York Genome Center
Classification: Uncertain significance for Generalized epilepsy-paroxysmal dyskinesia syndrome. Last evaluated: 2019-08-09. Review status: criteria provided, single submitter. Criteria: NYGC Assertion Criteria 2020. Collection method: clinical testing. Allele origin: germline. Observed: 1 heterozygote. Study: CSER-NYCKidSeq.

Illumina Laboratory Services, Illumina
Classification: Uncertain significance for Generalized epilepsy-paroxysmal dyskinesia syndrome. Last evaluated: 2018-01-13. Review status: criteria provided, single submitter. Criteria: ICSL Variant Classification Criteria 13 December 2019. Collection method: clinical testing. Allele origin: germline.

NM_001161352.2(KCNMA1):c.31A>G (p.Ser11Gly)

Gene: KCNMA1 (potassium calcium-activated channel subfamily M alpha 1; minus strand). Cytogenetic location: 10q22.3.
Variant type: single nucleotide variant.
Coding change: c.31A>G on transcript NM_001161352.2 (MANE Select); coding-DNA position 31, A replaced by G.
Protein change: p.Ser11Gly; replaces serine 11 with glycine.
Molecular consequence: missense variant.
Genome position (GRCh38, 1-based): chr10:77,637,612, T>C on the plus strand (A>G on the coding strand, the complement: KCNMA1 is on the minus strand). VCF-style: chr10-77637612-T-C. GRCh37 (hg19) VCF-style: chr10-79397370-T-C.
Other names: c.31A>G, p.Ser11Gly (NM_001014797.3, NM_001161353.2, NM_001271518.2 and 12 more transcripts); short protein forms S11G.
Identifiers: ClinVar variation 300974 (VCV000300974.17), dbSNP rs886047270, ClinGen allele CA5568824.